The following is an entry in ClinVar:

NM_001034853.2(RPGR):c.2650G>T (p.Glu884Ter)

Gene: RPGR (retinitis pigmentosa GTPase regulator; minus strand). Cytogenetic location: Xp11.4.
Variant type: single nucleotide variant.
Coding change: c.2650G>T on transcript NM_001034853.2 (MANE Select); coding-DNA position 2650, G replaced by T.
Protein change: p.Glu884Ter; replaces glutamic acid 884 with a stop codon.
Molecular consequence: nonsense. On other transcripts: intron variant (8).
Genome position (GRCh38, 1-based): chrX:38,286,349, C>A on the plus strand (G>T on the coding strand, the complement: RPGR is on the minus strand). VCF-style: chrX-38286349-C-A. GRCh37 (hg19) VCF-style: chrX-38145602-C-A.
Other names: E299*; NM_001034853.2(RPGR):c.2650G>T; p.Glu884Ter; c.1569+4610G>T (NM_001367249.1, NM_001367250.1); c.1902+745G>T (NM_001367245.1); c.1386+4610G>T (NM_001367251.1); c.1719+745G>T (NM_001367246.1); c.1572+4610G>T (NM_001367247.1); and 2 more; short protein forms E884*.
Identifiers: ClinVar variation 9908 (VCV000009908.7), dbSNP rs137852549, ClinGen allele CA254931.

ClinVar aggregate classification (germline): Pathogenic. Review status: reviewed by expert panel (3 of 4 stars). 4 submissions from 4 submitters: Pathogenic (1). 3 of the submissions do not count toward it. Last evaluated 2025-09-05.

Conditions:
RPGR-related retinopathy. Also called: RPGR retinopathy. Identifiers: MedGen CN305589, MONDO:0100437.
Primary ciliary dyskinesia. Also called: Ciliary dyskinesia. Identifiers: Orphanet 244, MedGen C0008780, MONDO:0016575, HP:0012265.
Retinitis pigmentosa 3. Also called: CHOROIDORETINAL DEGENERATION WITH RETINAL REFLEX IN HETEROZYGOUS WOMEN. Identifiers: Orphanet 791, MedGen C1845667, MONDO:0010227, OMIM 300029.

Submissions (4):

ClinGen X-linked Inherited Retinal Disease Variant Curation Expert Panel, ClinGen
Classification: Pathogenic for RPGR-related retinopathy. Last evaluated: 2025-09-05. Review status: reviewed by expert panel. Criteria: ClinGen X LinkedIRD ACMG Specifications RPGR V1.0.0. Collection method: curation. Allele origin: germline. Inheritance: X-linked inheritance.
Comment: NM_001034853.2(RPGR):c.2650G>T (p.Glu884Ter) is a nonsense variant that introduces a premature stop codon within exon 15 of 15 that is predicted to disrupt a critical C-terminal region required for proper glutamylation of RPGR (PVS1, PMID: 36445968). This variant is absent from gnomAD v4.1.0 (PM2_Supporting). This variant has been reported in at least 2 apparently unrelated probands meeting one of the PS4 requirements of a male with some functional vision impairment by age 30 years and/or decreased or absent electroretinogram responses, or a female with functional visual abnormality and documentation of a male relative affected with retinitis pigmentosa (PMID: 17325176, PMID: 30567410, PS4_Supporting). At least one proband harboring this variant exhibits a phenotype including onset of visual defects before the age of 30 years, fundus autofluorescence imaging showing radial pattern reflex, a family history consistent with X-linked inheritance with no male-to-male transmission (2 pts) and delayed/milder phenotype in females (1 pt), night blindness (0.5 pts), and pigmentary retinopathy (0.5 pts) which together are specific for RPGR-related retinopathy (4 points, PMID: 30567410, PP4). In summary, this variant is classified as pathogenic for RPGR-related retinopathy based on the ClinGen X-linked Inherited Retinal Disease Expert Panel Specifications to the ACMG/AMP Variant Interpretation Guidelines for RPGR Version 1.0.0; PVS1, PS4_Supporting, PM2_Supporting, and PP4.

Labcorp Genetics (formerly Invitae), Labcorp
Classification: Pathogenic for Primary ciliary dyskinesia. Last evaluated: 2025-11-17. Review status: criteria provided, single submitter. Criteria: Invitae Variant Classification Sherloc (09022015). Collection method: clinical testing. Allele origin: germline. Not counted in ClinVar's aggregate classification.
Comment: This sequence change creates a premature translational stop signal (p.Glu884*) in the RPGR (ORF15) gene. While this is not anticipated to result in nonsense mediated decay, it is expected to disrupt the last 269 amino acid(s) of the RPGR (ORF15) protein. This variant is not present in population databases (gnomAD no frequency). This premature translational stop signal has been observed in individual(s) with retinitis pigmentosa (PMID: 10932196, 30567410). This variant is also known as g.ORF15+804G>T p.ORF15E268X. ClinVar contains an entry for this variant (Variation ID: 9908). This variant disrupts a region of the RPGR (ORF15) protein in which other variant(s) (p.Leu1130Lysfs*13) have been determined to be pathogenic (PMID: 22264887; internal data). This suggests that this is a clinically significant region of the protein, and that variants that disrupt it are likely to be disease-causing. For these reasons, this variant has been classified as Pathogenic.

PreventionGenetics, part of Exact Sciences
Classification: Pathogenic. Last evaluated: 2017-06-09. Review status: criteria provided, single submitter. Criteria: ACMG Guidelines, 2015. Collection method: clinical testing. Allele origin: germline. Not counted in ClinVar's aggregate classification.

OMIM
Classification: Pathogenic for RETINITIS PIGMENTOSA 3. Last evaluated: 2000-08-01. Review status: no assertion criteria provided. Collection method: literature only. Allele origin: germline. Not counted in ClinVar's aggregate classification.

Literature cited by the submitters: PubMed 10932196 (cited by Labcorp Genetics (formerly Invitae), Labcorp and OMIM); PubMed 30567410 (cited by Labcorp Genetics (formerly Invitae), Labcorp); PubMed 22264887 (cited by Labcorp Genetics (formerly Invitae), Labcorp).